The following is an entry in ClinVar:

NM_030912.3(TRIM8):c.1257C>A (p.Cys419Ter)

Gene: TRIM8 (tripartite motif containing 8; plus strand). Cytogenetic location: 10q24.32.
Variant type: single nucleotide variant.
Coding change: c.1257C>A on transcript NM_030912.3 (MANE Select); coding-DNA position 1257, C replaced by A.
Protein change: p.Cys419Ter; replaces cysteine 419 with a stop codon.
Molecular consequence: nonsense. On other transcripts: non-coding transcript variant (1).
Genome position (GRCh38, 1-based): chr10:102,656,955, C>A. VCF-style: chr10-102656955-C-A. GRCh37 (hg19) VCF-style: chr10-104416712-C-A.
Other names: c.1161C>A, p.Cys387Ter (NM_001345950.1); short protein forms C387*, C419*.
Identifiers: ClinVar variation 1699050 (VCV001699050.3), dbSNP rs2064030791, ClinGen allele CA377931736.

ClinVar aggregate classification (germline): Pathogenic (1 of 4 stars; one submission).

Conditions:
Focal segmental glomerulosclerosis and neurodevelopmental syndrome. Identifiers: MedGen C5561938, MONDO:0100111, OMIM 619428.

Submission:

Victorian Clinical Genetics Services, Murdoch Childrens Research Institute
Classification: Pathogenic for Focal segmental glomerulosclerosis and neurodevelopmental syndrome. Last evaluated: 2020-10-19. Review status: criteria provided, single submitter. Criteria: ACMG Guidelines, 2015. Collection method: clinical testing. Allele origin: germline. Inheritance: Autosomal dominant inheritance. Affected: yes.
Comment: Based on the classification scheme VCGS_Germline_v1.3.3, this variant is classified as Pathogenic. Following criteria are met: 0105 - The mechanism of disease for this gene is not clearly established. However, dominant negative was postulated to be the potential disease mechanism (PMID: 30244534). (I) 0107 - This gene is associated with autosomal dominant disease (Epileptic encephalopathy (PMID: 27346735)). (I) 0205 - Variant is predicted to result in a truncated protein, where premature termination codon is NOT located at least 54 nucleotides upstream of the final exon-exon junction, with less than 1/3 of the protein sequence affected. (SP) 0251 - This variant is heterozygous. (I) 0301 - Variant is absent from gnomAD (both v2 and v3). (SP) 0701 - Other truncating variants comparable to the one identified in this case have very strong previous evidence for pathogenicity. Additional truncating variants have been reported in multiple patients with epileptic encephalopathy (ClinVar, PMID: 30244534; 32193649, 32193649). (SP) 0807 - This variant has no previous evidence of pathogenicity. (I) 0905 - No published segregation evidence has been identified for this variant. (I) 1007 - No published functional evidence has been identified for this variant. (I) 1102 - Strong phenotype match for this individual. (SP) 1208 - Inheritance information for this variant is not currently available in this individual. (I) Legend: (SP) - Supporting pathogenic, (I) - Information, (SB) - Supporting benign

Literature cited by the submitters: PubMed 27346735; PubMed 30244534; PubMed 32193649.